The following is an entry in ClinVar:

ClinVar aggregate classification (germline): Uncertain significance (1 of 4 stars; one submission).

Allele frequency attached by ClinVar (database versions not stated): ExAC 0.00009.

Submission:

Labcorp Genetics (formerly Invitae), Labcorp
Classification: Uncertain significance. Last evaluated: 2023-06-15. Review status: criteria provided, single submitter. Criteria: Invitae Variant Classification Sherloc (09022015). Collection method: clinical testing. Allele origin: germline.
Comment: In summary, the available evidence is currently insufficient to determine the role of this variant in disease. Therefore, it has been classified as a Variant of Uncertain Significance. Advanced modeling of protein sequence and biophysical properties (such as structural, functional, and spatial information, amino acid conservation, physicochemical variation, residue mobility, and thermodynamic stability) performed at Invitae indicates that this missense variant is not expected to disrupt THBD protein function. This variant has not been reported in the literature in individuals affected with THBD-related conditions. This variant is not present in population databases (gnomAD no frequency). This sequence change replaces valine, which is neutral and non-polar, with isoleucine, which is neutral and non-polar, at codon 189 of the THBD protein (p.Val189Ile).

NM_000361.3(THBD):c.565G>A (p.Val189Ile)

Gene: THBD (thrombomodulin; minus strand). Cytogenetic location: 20p11.21.
Variant type: single nucleotide variant.
Coding change: c.565G>A on transcript NM_000361.3 (MANE Select); coding-DNA position 565, G replaced by A.
Protein change: p.Val189Ile; replaces valine 189 with isoleucine.
Molecular consequence: missense variant.
Genome position (GRCh38, 1-based): chr20:23,048,940, C>T on the plus strand (G>A on the coding strand, the complement: THBD is on the minus strand). VCF-style: chr20-23048940-C-T. GRCh37 (hg19) VCF-style: chr20-23029577-C-T.
Other names: short protein forms V189I.
Identifiers: ClinVar variation 3020586 (VCV003020586.3), dbSNP rs777937237, ClinGen allele CA9787718.